The following is an entry in ClinVar:

ClinVar aggregate classification (germline): Uncertain significance. Review status: criteria provided, multiple submitters, no conflicts (2 of 4 stars). 2 submissions from 2 submitters: Uncertain significance (2). Last evaluated 2024-09-24.

Conditions:
Hereditary breast ovarian cancer syndrome. Also called: Hereditary breast and ovarian cancer syndrome; Hereditary breast and ovarian cancer; Hereditary breast and ovarian cancer syndrome (HBOC); Breast and ovarian cancer; Hereditary breast and/or ovarian cancer syndrome; BRCA1- and BRCA2-Associated Hereditary Breast and Ovarian Cancer. Identifiers: Orphanet 145, MedGen C0677776, MeSH D061325, MONDO:0003582. Disease mechanism: loss of function.
Hereditary cancer-predisposing syndrome. Also called: Neoplastic Syndromes, Hereditary; Tumor predisposition; Hereditary neoplastic syndrome; Hereditary Cancer Syndrome. Identifiers: Orphanet 140162, MedGen C0027672, MeSH D009386, MONDO:0015356.

Submissions (2):

Ambry Genetics
Classification: Uncertain significance for Hereditary cancer-predisposing syndrome. Last evaluated: 2024-09-24. Review status: criteria provided, single submitter. Criteria: Ambry Variant Classification Scheme 2023. Collection method: clinical testing. Allele origin: germline.
Comment: The c.4071_4073delAGA variant (also known as p.E1358del) is located in coding exon 9 of the BRCA1 gene. This variant results from an in-frame AGA deletion at nucleotide positions 4071 to 4073. This results in the in-frame deletion of a glutamic acid residue at codon 1358. This amino acid position is not well conserved in available vertebrate species. In addition, this alteration is predicted to be neutral by in silico analysis (Choi Y et al. PLoS ONE. 2012; 7(10):e46688). Based on the available evidence, the clinical significance of this variant remains unclear.

Labcorp Genetics (formerly Invitae), Labcorp
Classification: Uncertain significance for Hereditary breast ovarian cancer syndrome. Last evaluated: 2021-02-25. Review status: criteria provided, single submitter. Criteria: Invitae Variant Classification Sherloc (09022015). Collection method: clinical testing. Allele origin: germline.
Comment: This variant, c.4071_4073del, results in the deletion of 1 amino acid(s) of the BRCA1 protein (p.Glu1358del), but otherwise preserves the integrity of the reading frame. This variant is not present in population databases (ExAC no frequency). This variant has not been reported in the literature in individuals with BRCA1-related conditions. ClinVar contains an entry for this variant (Variation ID: 824565). Experimental studies and prediction algorithms are not available or were not evaluated, and the functional significance of this variant is currently unknown. In summary, the available evidence is currently insufficient to determine the role of this variant in disease. Therefore, it has been classified as a Variant of Uncertain Significance.

NM_007294.4(BRCA1):c.4068AGA[1] (p.Glu1358del)

Genes: BRCA1 (BRCA1 DNA repair associated; minus strand), LOC126862571 (BRD4-independent group 4 enhancer GRCh37_chr17:41243136-41244335; plus strand). Cytogenetic location: 17q21.31.
Variant type: Microsatellite.
Coding change: c.4068AGA[1] on transcript NM_007294.4 (MANE Select); one copy of the 3-base unit AGA starting at c.4068; the reference has two copies in a row; one copy, 3 bases deleted.
Protein change: p.Glu1358del; deletes glutamic acid 1358.
Molecular consequence: inframe deletion. On other transcripts: inframe indel (1), intron variant (135).
Genome position (GRCh38, 1-based): chr17:43,091,458-43,091,460, TCT deleted on the plus strand (AGA on the coding strand, the reverse complement: BRCA1 is on the minus strand); deleting any 3 consecutive bases within chr17:43,091,458-43,091,464 gives the same sequence; the position shown is the placement nearest the transcript's 3' end. VCF-style (leftmost placement, unchanged base first): chr17-43091457-CTCT-C. GRCh37 (hg19) VCF-style: chr17-41243474-CTCT-C.
Other names: c.4065AGA[1], p.Glu1357del (NM_001407645.1, NM_001407644.1, NM_001407587.1 and 22 more transcripts); c.4068AGA[1], p.Glu1358del (NM_001407642.1, NM_001407640.1, NM_001407641.1 and 30 more transcripts); c.4059AGA[1], p.Glu1355del (NM_001407646.1, NM_001407647.1); c.4071_4073delAGA (NM_007294.3); c.3855AGA[1], p.Glu1287del (NM_001407571.1, NM_001407853.1, NM_001407894.1 and 9 more transcripts); c.3945AGA[1], p.Glu1317del (NM_001407648.1, NM_001407664.1, NM_001407665.1 and 19 more transcripts); c.3942AGA[1], p.Glu1316del (NM_001407649.1, NM_001407670.1, NM_001407671.1 and 11 more transcripts); c.3990AGA[1], p.Glu1332del (NM_001407653.1, NM_001407654.1, NM_001407655.1 and 4 more transcripts); and 42 more; short protein forms E1311del, E1358del, E1291del, E1316del, E490del, E1190del, E1288del, E1290del.
Identifiers: ClinVar variation 824565 (VCV000824565.14), dbSNP rs1567789034, ClinGen allele CA915950082.
Genomic context (GRCh38, chr17:43,091,457, plus strand): 5'-AATAGACTGGGGCAAACACAAAAACCTGGTTCCAATACCTAAGTTTGAATCCATGCTTTG[CTCT>C]TCTTGATTATTTTCTTCCAAGCCCGTTCCTCTTTCTTCATCATCTGAAACCAATTCCTTG-3'